The following is an entry in ClinVar:

NM_022552.5(DNMT3A):c.730C>A (p.Pro244Thr)

Gene: DNMT3A (DNA methyltransferase 3 alpha; minus strand). Cytogenetic location: 2p23.3.
Variant type: single nucleotide variant.
Coding change: c.730C>A on transcript NM_022552.5 (MANE Select); coding-DNA position 730, C replaced by A.
Protein change: p.Pro244Thr; replaces proline 244 with threonine.
Molecular consequence: missense variant. On other transcripts: non-coding transcript variant (1).
Genome position (GRCh38, 1-based): chr2:25,248,162, G>T on the plus strand (C>A on the coding strand, the complement: DNMT3A is on the minus strand). VCF-style: chr2-25248162-G-T. GRCh37 (hg19) VCF-style: chr2-25471031-G-T.
Other names: c.274C>A, p.Pro92Thr (NM_001320893.1); c.61C>A, p.Pro21Thr (NM_001375819.1); c.163C>A, p.Pro55Thr (NM_153759.3); c.730C>A, p.Pro244Thr (NM_175629.2); short protein forms P21T, P244T, P55T, P92T.
Identifiers: ClinVar variation 3841783 (VCV003841783.2).
Genomic context (GRCh38, chr2:25,248,162, plus strand): 5'-GCTCAGGCGTGGTAGCCACAGTGGGGGATGCGGGGTCAGTGGGCTGCTGCACAGCAGGAG[G>T]GCTGGCCTCCTCCACCTTCTGAGACTCCCCGGGCCCCTGGTTTTCTTCCACAGCATTCAT-3'
Protein context (NP_072046.2, residues 234-254): GESQKVEEAS[Pro244Thr]PAVQQPTDPA

ClinVar aggregate classification (germline): Uncertain significance. Review status: criteria provided, multiple submitters, no conflicts (2 of 4 stars). 2 submissions from 2 submitters: Uncertain significance (2). Last evaluated 2025-03-11.

Conditions:
Inborn genetic diseases. Identifiers: MedGen C0950123, MeSH D030342.
Tatton-Brown-Rahman overgrowth syndrome. Also called: Tall stature-intellectual disability-facial dysmorphism syndrome; Tatton-Brown-Rahman syndrome. Identifiers: Orphanet 404443, MedGen C4014545, MONDO:0014382, OMIM 615879.

gnomAD v4.1: 2 of 1,613,860 alleles (0.00012%); highest among the groups gnomAD compares: Non-Finnish European, 0.00017%; no homozygotes.

Submissions (2):

Labcorp Genetics (formerly Invitae), Labcorp
Classification: Uncertain significance for Tatton-Brown-Rahman overgrowth syndrome. Last evaluated: 2025-03-11. Review status: criteria provided, single submitter. Criteria: Invitae Variant Classification Sherloc (09022015). Collection method: clinical testing. Allele origin: germline.
Comment: This sequence change replaces proline, which is neutral and non-polar, with threonine, which is neutral and polar, at codon 244 of the DNMT3A protein (p.Pro244Thr). This variant is not present in population databases (gnomAD no frequency). This variant has not been reported in the literature in individuals affected with DNMT3A-related conditions. Invitae Evidence Modeling of protein sequence and biophysical properties (such as structural, functional, and spatial information, amino acid conservation, physicochemical variation, residue mobility, and thermodynamic stability) indicates that this missense variant is not expected to disrupt DNMT3A protein function with a negative predictive value of 95%. In summary, the available evidence is currently insufficient to determine the role of this variant in disease. Therefore, it has been classified as a Variant of Uncertain Significance.

Ambry Genetics
Classification: Uncertain significance for Inborn genetic diseases. Last evaluated: 2025-02-03. Review status: criteria provided, single submitter. Criteria: Ambry Variant Classification Scheme 2023. Collection method: clinical testing. Allele origin: germline.
Comment: The p.P244T variant (also known as c.730C>A), located in coding exon 6 of the DNMT3A gene, results from a C to A substitution at nucleotide position 730. The proline at codon 244 is replaced by threonine, an amino acid with highly similar properties. This amino acid position is conserved. In addition, the in silico prediction for this alteration is inconclusive. Based on the available evidence, the clinical significance of this variant remains unclear.